The following is an entry in ClinVar:

NM_021831.6(AGBL5):c.53A>G (p.Asn18Ser)

Gene: AGBL5 (AGBL carboxypeptidase 5; plus strand). Cytogenetic location: 2p23.3.
Variant type: single nucleotide variant.
Coding change: c.53A>G on transcript NM_021831.6 (MANE Select); coding-DNA position 53, A replaced by G.
Protein change: p.Asn18Ser; replaces asparagine 18 with serine.
Molecular consequence: missense variant. On other transcripts: non-coding transcript variant (2).
Genome position (GRCh38, 1-based): chr2:27,053,011, A>G. VCF-style: chr2-27053011-A-G. GRCh37 (hg19) VCF-style: chr2-27275879-A-G.
Other names: c.53A>G, p.Asn18Ser (NM_001035507.3); short protein forms N18S.
Identifiers: ClinVar variation 1020464 (VCV001020464.10), dbSNP rs1668246689, ClinGen allele CA346167055.

ClinVar aggregate classification (germline): Uncertain significance (1 of 4 stars; one submission).

Allele frequency attached by ClinVar (database versions not stated): gnomAD exomes below 0.00001.

Submission:

Labcorp Genetics (formerly Invitae), Labcorp
Classification: Uncertain significance. Last evaluated: 2022-06-20. Review status: criteria provided, single submitter. Criteria: Invitae Variant Classification Sherloc (09022015). Collection method: clinical testing. Allele origin: germline.
Comment: In summary, the available evidence is currently insufficient to determine the role of this variant in disease. Therefore, it has been classified as a Variant of Uncertain Significance. Algorithms developed to predict the effect of missense changes on protein structure and function are either unavailable or do not agree on the potential impact of this missense change (SIFT: "Deleterious"; PolyPhen-2: "Probably Damaging"; Align-GVGD: "Class C15"). ClinVar contains an entry for this variant (Variation ID: 1020464). This variant has not been reported in the literature in individuals affected with AGBL5-related conditions. This variant is not present in population databases (gnomAD no frequency). This sequence change replaces asparagine, which is neutral and polar, with serine, which is neutral and polar, at codon 18 of the AGBL5 protein (p.Asn18Ser).